The following is an entry in ClinVar:

NM_144573.4(NEXN):c.491A>G (p.Glu164Gly)

Gene: NEXN (nexilin F-actin binding protein; plus strand). Cytogenetic location: 1p31.1.
Variant type: single nucleotide variant.
Coding change: c.491A>G on transcript NM_144573.4 (MANE Select); coding-DNA position 491, A replaced by G.
Protein change: p.Glu164Gly; replaces glutamic acid 164 with glycine.
Molecular consequence: missense variant.
Genome position (GRCh38, 1-based): chr1:77,926,415, A>G. VCF-style: chr1-77926415-A-G. GRCh37 (hg19) VCF-style: chr1-78392100-A-G.
Other names: c.299A>G, p.Glu100Gly (NM_001172309.2); short protein forms E164G, E100G.
Identifiers: ClinVar variation 538106 (VCV000538106.11), dbSNP rs1553238441, ClinGen allele CA340872037.

ClinVar aggregate classification (germline): Uncertain significance. Review status: criteria provided, multiple submitters, no conflicts (2 of 4 stars). 2 submissions from 2 submitters: Uncertain significance (2). Last evaluated 2025-12-14.

Conditions:
Dilated cardiomyopathy 1CC (CMD1CC). Identifiers: Orphanet 154, MedGen C2751084, MONDO:0013147, OMIM 613122.
Hypertrophic cardiomyopathy 20. Identifiers: MedGen C3151267, MONDO:0013477, OMIM 613876.
Cardiovascular phenotype. Identifiers: MedGen CN230736.

Allele frequency attached by ClinVar (database versions not stated): gnomAD exomes below 0.00001.

Submissions (2):

Labcorp Genetics (formerly Invitae), Labcorp
Classification: Uncertain significance for Dilated cardiomyopathy 1CC; Hypertrophic cardiomyopathy 20. Last evaluated: 2025-12-14. Review status: criteria provided, single submitter. Criteria: Invitae Variant Classification Sherloc (09022015). Collection method: clinical testing. Allele origin: germline.
Comment: This sequence change replaces glutamic acid, which is acidic and polar, with glycine, which is neutral and non-polar, at codon 164 of the NEXN protein (p.Glu164Gly). This variant is not present in population databases (gnomAD no frequency). This variant has not been reported in the literature in individuals affected with NEXN-related conditions. ClinVar contains an entry for this variant (Variation ID: 538106). An algorithm developed to predict the effect of missense changes on protein structure and function (PolyPhen-2) suggests that this variant is likely to be disruptive. In summary, the available evidence is currently insufficient to determine the role of this variant in disease. Therefore, it has been classified as a Variant of Uncertain Significance.

Ambry Genetics
Classification: Uncertain significance for Cardiovascular phenotype. Last evaluated: 2024-05-11. Review status: criteria provided, single submitter. Criteria: Ambry Variant Classification Scheme 2023. Collection method: clinical testing. Allele origin: germline.
Comment: The p.E164G variant (also known as c.491A>G), located in coding exon 6 of the NEXN gene, results from an A to G substitution at nucleotide position 491. The glutamic acid at codon 164 is replaced by glycine, an amino acid with similar properties. This amino acid position is conserved. In addition, the in silico prediction for this alteration is inconclusive. Since supporting evidence is limited at this time, the clinical significance of this alteration remains unclear.